The following is an entry in ClinVar:

NM_001042492.3(NF1):c.3353G>A (p.Ser1118Asn)

Gene: NF1 (neurofibromin 1; plus strand). Cytogenetic location: 17q11.2.
Variant type: single nucleotide variant.
Coding change: c.3353G>A on transcript NM_001042492.3 (MANE Select); coding-DNA position 3353, G replaced by A.
Protein change: p.Ser1118Asn; replaces serine 1118 with asparagine.
Molecular consequence: missense variant.
Genome position (GRCh38, 1-based): chr17:31,232,738, G>A. VCF-style: chr17-31232738-G-A. GRCh37 (hg19) VCF-style: chr17-29559756-G-A.
Other names: c.3353G>A, p.Ser1118Asn (NM_000267.4); short protein forms S1118N.
Identifiers: ClinVar variation 3634530 (VCV003634530.2).
Genomic context (GRCh38, chr17:31,232,738, plus strand): 5'-GGTCAGTCTTTTTATTTCTCAGATACTTCACATTATTTATGAACCTTTTGAATGACTGCA[G>A]TGAAGTTGAAGATGAAAGTGCGCAAACAGGTGGCAGGAAACGTGGCATGTCTCGGAGGCT-3'
Protein context (NP_001035957.1, residues 1108-1128): TLFMNLLNDC[Ser1118Asn]EVEDESAQTG

ClinVar aggregate classification (germline): Uncertain significance (1 of 4 stars; one submission).

Conditions:
Neurofibromatosis, type 1 (NF1). Also called: VON RECKLINGHAUSEN DISEASE; Peripheral type neurofibromatosis; NEUROFIBROMATOSIS, TYPE I, SOMATIC; Neurofibromatosis, type I. Identifiers: Orphanet 636, MedGen C0027831, MONDO:0018975, OMIM 162200. Disease mechanism: loss of function.

Submission:

Labcorp Genetics (formerly Invitae), Labcorp
Classification: Uncertain significance for Neurofibromatosis, type 1. Last evaluated: 2024-03-02. Review status: criteria provided, single submitter. Criteria: Invitae Variant Classification Sherloc (09022015). Collection method: clinical testing. Allele origin: germline.
Comment: This sequence change replaces serine, which is neutral and polar, with asparagine, which is neutral and polar, at codon 1118 of the NF1 protein (p.Ser1118Asn). This variant is not present in population databases (gnomAD no frequency). This variant has not been reported in the literature in individuals affected with NF1-related conditions. Advanced modeling of protein sequence and biophysical properties (such as structural, functional, and spatial information, amino acid conservation, physicochemical variation, residue mobility, and thermodynamic stability) performed at Invitae indicates that this missense variant is not expected to disrupt NF1 protein function with a negative predictive value of 95%. In summary, the available evidence is currently insufficient to determine the role of this variant in disease. Therefore, it has been classified as a Variant of Uncertain Significance.